The following is an entry in ClinVar:

ClinVar aggregate classification (germline): Conflicting classifications of pathogenicity. Review status: criteria provided, conflicting classifications (1 of 4 stars). 10 submissions from 10 submitters: Uncertain significance (7); Likely benign (2). 1 of the submissions does not count toward it. Last evaluated 2026-02-01.

Conditions:
Qualitative or quantitative defects of beta-sarcoglycan. Identifiers: Orphanet 207063, MedGen C2930900, MONDO:0016142.
Autosomal recessive limb-girdle muscular dystrophy type 2E (LGMDR4). Also called: MUSCULAR DYSTROPHY, LIMB-GIRDLE, AUTOSOMAL RECESSIVE 4. Identifiers: Orphanet 119, MedGen C1858593, MONDO:0011423, OMIM 604286. Disease mechanism: Affects gamma-sarcoglycan and also disrupts the integrity of the entire sarcoglycan complex..

Allele frequency attached by ClinVar (database versions not stated): TOPMed 0.00026; ESP Exome Variant Server 0.00038; gnomAD exomes 0.00038 and 0.00040; gnomAD 0.00039 and 0.00041; ExAC 0.00055.
gnomAD v4.1: 610 of 1,613,890 alleles (0.038%); highest among the groups gnomAD compares: Non-Finnish European, 0.046%; no homozygotes.

Submissions (10):

Labcorp Genetics (formerly Invitae), Labcorp
Classification: Uncertain significance for Autosomal recessive limb-girdle muscular dystrophy type 2E. Last evaluated: 2026-02-01. Review status: criteria provided, single submitter. Criteria: Invitae Variant Classification Sherloc (09022015). Collection method: clinical testing. Allele origin: germline.
Comment: This sequence change replaces glycine, which is neutral and non-polar, with arginine, which is basic and polar, at codon 315 of the SGCB protein (p.Gly315Arg). This variant is present in population databases (rs150395645, gnomAD 0.09%), and has an allele count higher than expected for a pathogenic variant. This missense change has been observed in individual(s) with SGCB-related conditions (PMID: 39678382). ClinVar contains an entry for this variant (Variation ID: 255606). An algorithm developed to predict the effect of missense changes on protein structure and function (PolyPhen-2) suggests that this variant is likely to be tolerated. In summary, the available evidence is currently insufficient to determine the role of this variant in disease. Therefore, it has been classified as a Variant of Uncertain Significance.

Blueprint Genetics
Classification: Likely benign. Last evaluated: 2024-11-22. Review status: criteria provided, single submitter. Criteria: ACMG Guidelines, 2015. Collection method: clinical testing. Allele origin: germline.

GeneDx
Classification: Uncertain significance. Last evaluated: 2024-05-06. Review status: criteria provided, single submitter. Criteria: GeneDx Variant Classification Process June 2021. Collection method: clinical testing. Allele origin: germline. Affected: yes.
Comment: In silico analysis indicates that this missense variant does not alter protein structure/function; Has not been previously published as pathogenic or benign to our knowledge

Revvity Omics, Revvity
Classification: Uncertain significance for Autosomal recessive limb-girdle muscular dystrophy type 2E. Last evaluated: 2024-03-28. Review status: criteria provided, single submitter. Criteria: ACMG Guidelines, 2015. Collection method: clinical testing. Allele origin: germline.

Mayo Clinic Laboratories, Mayo Clinic
Classification: Uncertain significance. Last evaluated: 2023-10-04. Review status: criteria provided, single submitter. Criteria: ACMG Guidelines, 2015. Collection method: clinical testing. Allele origin: germline. Observed: 1 variant allele.
Comment: PM2_moderate

CeGaT Center for Human Genetics Tuebingen
Classification: Uncertain significance. Last evaluated: 2019-04-01. Review status: criteria provided, single submitter. Criteria: CeGaT Center For Human Genetics Tuebingen Variant Classification Criteria Version 2. Collection method: clinical testing. Allele origin: germline. Affected: yes. Observed: 1 variant allele.

Eurofins Ntd Llc (ga)
Classification: Uncertain significance. Last evaluated: 2018-06-08. Review status: criteria provided, single submitter. Criteria: EGL ClinVar v180209 classification definitions. Collection method: clinical testing. Allele origin: germline. Observed: 6 variant alleles, 6 heterozygotes.

Illumina Laboratory Services, Illumina
Classification: Uncertain significance for Qualitative or quantitative defects of beta-sarcoglycan. Last evaluated: 2018-01-13. Review status: criteria provided, single submitter. Criteria: ICSL Variant Classification Criteria 13 December 2019. Collection method: clinical testing. Allele origin: germline.

PreventionGenetics, part of Exact Sciences
Classification: Likely benign. Review status: criteria provided, single submitter. Criteria: ACMG Guidelines, 2015. Collection method: clinical testing. Allele origin: germline.

Natera, Inc.
Classification: Uncertain significance for Limb-girdle muscular dystrophy type 2E. Last evaluated: 2020-01-06. Review status: no assertion criteria provided. Collection method: clinical testing. Allele origin: germline. Not counted in ClinVar's aggregate classification.

Literature cited by the submitters: PubMed 39678382 (cited by Labcorp Genetics (formerly Invitae), Labcorp).

NM_000232.5(SGCB):c.943G>A (p.Gly315Arg)

Gene: SGCB (sarcoglycan beta; minus strand). Cytogenetic location: 4q12.
Variant type: single nucleotide variant.
Coding change: c.943G>A on transcript NM_000232.5 (MANE Select); coding-DNA position 943, G replaced by A.
Protein change: p.Gly315Arg; replaces glycine 315 with arginine.
Molecular consequence: missense variant.
Genome position (GRCh38, 1-based): chr4:52,023,971, C>T on the plus strand (G>A on the coding strand, the complement: SGCB is on the minus strand). VCF-style: chr4-52023971-C-T. GRCh37 (hg19) VCF-style: chr4-52890137-C-T.
Other names: p.Gly315Arg; short protein forms G315R.
Identifiers: ClinVar variation 255606 (VCV000255606.64), dbSNP rs150395645, ClinGen allele CA2918237.